The following is an entry in ClinVar:

NM_001492.6(GDF1):c.653C>A (p.Ala218Glu)

Genes: CERS1 (ceramide synthase 1; minus strand), GDF1 (growth differentiation factor 1; minus strand). Cytogenetic location: 19p13.11.
Variant type: single nucleotide variant.
Coding change: c.653C>A on transcript NM_001492.6 (MANE Select); coding-DNA position 653, C replaced by A.
Protein change: p.Ala218Glu; replaces alanine 218 with glutamic acid.
Molecular consequence: missense variant. On other transcripts: 3 prime UTR variant (2).
Genome position (GRCh38, 1-based): chr19:18,869,063, G>T on the plus strand (C>A on the coding strand, the complement: GDF1 is on the minus strand). VCF-style: chr19-18869063-G-T. GRCh37 (hg19) VCF-style: chr19-18979872-G-T.
Other names: c.*1514C>A (NM_001387440.1); c.*922C>A (NM_021267.5); c.653C>A, p.Ala218Glu (NM_001387438.1); short protein forms A218E.
Identifiers: ClinVar variation 1984258 (VCV001984258.4), dbSNP rs899464952, ClinGen allele CA306231719.

ClinVar aggregate classification (germline): Uncertain significance (1 of 4 stars; one submission).

Allele frequency attached by ClinVar (database versions not stated): gnomAD exomes below 0.00001; TOPMed 0.00005; gnomAD 0.00006.
gnomAD v4.1: 11 of 1,059,724 alleles (0.001%); highest among the groups gnomAD compares: African/African-American, 0.019%; no homozygotes.

Submission:

Labcorp Genetics (formerly Invitae), Labcorp
Classification: Uncertain significance. Last evaluated: 2022-02-12. Review status: criteria provided, single submitter. Criteria: Invitae Variant Classification Sherloc (09022015). Collection method: clinical testing. Allele origin: germline.
Comment: Algorithms developed to predict the effect of missense changes on protein structure and function (SIFT, PolyPhen-2, Align-GVGD) all suggest that this variant is likely to be tolerated. This sequence change replaces alanine, which is neutral and non-polar, with glutamic acid, which is acidic and polar, at codon 218 of the GDF1 protein (p.Ala218Glu). The frequency data for this variant in the population databases is considered unreliable, as metrics indicate poor data quality at this position in the gnomAD database. This variant has not been reported in the literature in individuals affected with GDF1-related conditions. In summary, the available evidence is currently insufficient to determine the role of this variant in disease. Therefore, it has been classified as a Variant of Uncertain Significance.